The following is an entry in ClinVar:

NM_001374828.1(ARID1B):c.1328G>C (p.Gly443Ala)

Gene: ARID1B (AT-rich interaction domain 1B; plus strand). Cytogenetic location: 6q25.3.
Variant type: single nucleotide variant.
Coding change: c.1328G>C on transcript NM_001374828.1 (MANE Select); coding-DNA position 1328, G replaced by C.
Protein change: p.Gly443Ala; replaces glycine 443 with alanine.
Molecular consequence: missense variant.
Genome position (GRCh38, 1-based): chr6:156,779,008, G>C. VCF-style: chr6-156779008-G-C. GRCh37 (hg19) VCF-style: chr6-157100142-G-C.
Other names: c.1079G>C, p.Gly360Ala (NM_001346813.1, NM_020732.3); c.1328G>C, p.Gly443Ala (NM_001371656.1, NM_001374820.1, NM_017519.3); c.905G>C, p.Gly302Ala (NM_175863.2); short protein forms G302A, G360A, G443A.
Identifiers: ClinVar variation 1801134 (VCV001801134.1), dbSNP rs1387431464, ClinGen allele CA366384006.

ClinVar aggregate classification (germline): Uncertain significance (1 of 4 stars; one submission).

gnomAD v4.1: 7 of 1,265,360 alleles (0.00055%); highest among the groups gnomAD compares: Non-Finnish European, 0.00049%; no homozygotes.

Submission:

GeneDx
Classification: Uncertain significance. Last evaluated: 2022-05-25. Review status: criteria provided, single submitter. Criteria: GeneDx Variant Classification Process June 2021. Collection method: clinical testing. Allele origin: germline. Affected: yes.
Comment: Not observed at significant frequency in large population cohorts (gnomAD); In silico analysis supports that this missense variant does not alter protein structure/function; Has not been previously published as pathogenic or benign to our knowledge